The following is an entry in ClinVar:

NM_002691.4(POLD1):c.231_246del (p.Arg78fs)

Gene: POLD1 (DNA polymerase delta 1, catalytic subunit; plus strand). Cytogenetic location: 19q13.33.
Variant type: Deletion.
Coding change: c.231_246del on transcript NM_002691.4 (MANE Select); coding-DNA positions 231 to 246, 16 bases deleted (TCGCTGGCTTCGGCCC).
Protein change: p.Arg78fs; shifts the reading frame from arginine 78.
Molecular consequence: frameshift variant. On other transcripts: non-coding transcript variant (1).
Genome position (GRCh38, 1-based): chr19:50,399,399-50,399,414, TCGCTGGCTTCGGCCC deleted; deleting any 16 consecutive bases within chr19:50,399,397-50,399,414 gives the same sequence; the c. name uses the placement nearest the transcript's 3' end. VCF-style (leftmost placement, unchanged base first): chr19-50399396-TCCTCGCTGGCTTCGGC-T. GRCh37 (hg19) VCF-style: chr19-50902653-TCCTCGCTGGCTTCGGC-T.
Other names: c.231_246del, p.Arg78fs (NM_001438210.1, NM_001438211.1, NM_001438212.1 and 3 more transcripts); short protein forms R78fs.
Identifiers: ClinVar variation 4862204 (VCV004862204.1).
Genomic context (GRCh38, chr19:50,399,396, plus strand): 5'-TCCATGTACTCCACTTCCTTCCCTTCCCCCACCAGGGCAGGTCCCACCATCAGCCATAGA[TCCTCGCTGGCTTCGGC>T]CCACACCACCAGCGCTGGACCCCCAGACAGAGCCCCTCATCTTCCAACAGTTGGAGATTG-3'

ClinVar aggregate classification (germline): Uncertain significance (1 of 4 stars; one submission).

Conditions:
Hereditary cancer-predisposing syndrome. Also called: Neoplastic Syndromes, Hereditary; Tumor predisposition; Hereditary Cancer Syndrome; Hereditary neoplastic syndrome. Identifiers: Orphanet 140162, MedGen C0027672, MeSH D009386, MONDO:0015356.

Submission:

Ambry Genetics
Classification: Uncertain significance for Hereditary cancer-predisposing syndrome. Last evaluated: 2026-05-20. Review status: criteria provided, single submitter. Criteria: Ambry Variant Classification Scheme 2023. Collection method: clinical testing. Allele origin: germline.
Comment: The c.231_246del16 variant, located in coding exon 2 of the POLD1 gene, results from a deletion of 16 nucleotides at nucleotide positions 231 to 246, causing a translational frameshift with a predicted alternate stop codon (p.R78Hfs*86). This variant is expected to result in protein truncation or nonsense-mediated mRNA decay. However, loss of function has not been established as a mechanism of disease. Based on the available evidence, the clinical significance of this variant remains unclear.